The following is an entry in ClinVar:

ClinVar aggregate classification (germline): Uncertain significance. Review status: criteria provided, multiple submitters, no conflicts (2 of 4 stars). 6 submissions from 6 submitters: Uncertain significance (6). Last evaluated 2024-03-06.

Conditions:
Hereditary cancer-predisposing syndrome. Also called: Neoplastic Syndromes, Hereditary; Hereditary Cancer Syndrome; Hereditary neoplastic syndrome; Tumor predisposition. Identifiers: Orphanet 140162, MedGen C0027672, MeSH D009386, MONDO:0015356.
Breast-ovarian cancer, familial, susceptibility to, 5 (BROVCA5). Identifiers: MedGen C5830615, MONDO:0957530, OMIM 620442.
Familial cancer of breast. Also called: BREAST CANCER, FAMILIAL; Hereditary breast cancer; hereditary breast carcinoma. Identifiers: Orphanet 227535, MedGen C0346153, MONDO:0016419, OMIM 114480. Disease mechanism: loss of function.

Allele frequency attached by ClinVar (database versions not stated): gnomAD exomes below 0.00001; TOPMed below 0.00001; gnomAD 0.00001.
gnomAD v4.1: 2 of 1,614,012 alleles (0.00012%); highest among the groups gnomAD compares: Non-Finnish European, 0.00017%; no homozygotes.

Submissions (6):

Color Diagnostics, LLC DBA Color Health
Classification: Uncertain significance for Hereditary cancer-predisposing syndrome. Last evaluated: 2024-03-06. Review status: criteria provided, single submitter. Criteria: ACMG Guidelines, 2015. Collection method: clinical testing. Allele origin: germline.
Comment: This missense variant replaces arginine with serine at codon 976 of the PALB2 protein. Computational prediction is inconclusive regarding the impact of this variant on protein structure and function (internally defined REVEL score threshold 0.5 < inconclusive < 0.7, PMID: 27666373). To our knowledge, functional studies have not been reported for this variant. This variant has not been reported in individuals affected with hereditary cancer in the literature. This variant has not been identified in the general population by the Genome Aggregation Database (gnomAD). The available evidence is insufficient to determine the role of this variant in disease conclusively. Therefore, this variant is classified as a Variant of Uncertain Significance.

Ambry Genetics
Classification: Uncertain significance for Hereditary cancer-predisposing syndrome. Last evaluated: 2023-09-29. Review status: criteria provided, single submitter. Criteria: Ambry Variant Classification Scheme 2023. Collection method: clinical testing. Allele origin: germline.
Comment: The p.R976S variant (also known as c.2928G>T), located in coding exon 9 of the PALB2 gene, results from a G to T substitution at nucleotide position 2928. The arginine at codon 976 is replaced by serine, an amino acid with dissimilar properties. This amino acid position is highly conserved in available vertebrate species. In addition, the in silico prediction for this alteration is inconclusive. Since supporting evidence is limited at this time, the clinical significance of this alteration remains unclear.

St. Jude Molecular Pathology, St. Jude Children's Research Hospital
Classification: Uncertain significance for Breast-ovarian cancer, familial, susceptibility to, 5. Last evaluated: 2023-09-26. Review status: criteria provided, single submitter. Criteria: St. Jude Assertion Criteria 2020. Collection method: clinical testing. Allele origin: germline.
Comment: The PALB2 c.2928G>T (p.Arg976Ser) missense change is absent in gnomAD v2.1.1. The in silico tool REVEL predicts a benign effect on protein function, but to our knowledge this prediction has not been confirmed by functional studies. This variant is absent in a database of women older than 70 years of age who have never had cancer (FLOSSIES). To our knowledge, this variant has not been reported in individuals with hereditary breast and ovarian cancer or Fanconi anemia. In summary, the evidence currently available is insufficient to determine the clinical significance of this variant. It has therefore been classified as of uncertain significance.

Baylor Genetics
Classification: Uncertain significance for Familial cancer of breast. Last evaluated: 2023-06-22. Review status: criteria provided, single submitter. Criteria: ACMG Guidelines, 2015. Collection method: clinical testing. Allele origin: unknown.

Labcorp Genetics (formerly Invitae), Labcorp
Classification: Uncertain significance for Familial cancer of breast. Last evaluated: 2023-06-22. Review status: criteria provided, single submitter. Criteria: Invitae Variant Classification Sherloc (09022015). Collection method: clinical testing. Allele origin: germline.
Comment: Advanced modeling of protein sequence and biophysical properties (such as structural, functional, and spatial information, amino acid conservation, physicochemical variation, residue mobility, and thermodynamic stability) performed at Invitae indicates that this missense variant is expected to disrupt PALB2 protein function. In summary, the available evidence is currently insufficient to determine the role of this variant in disease. Therefore, it has been classified as a Variant of Uncertain Significance. ClinVar contains an entry for this variant (Variation ID: 460971). This variant has not been reported in the literature in individuals affected with PALB2-related conditions. This variant is not present in population databases (gnomAD no frequency). This sequence change replaces arginine, which is basic and polar, with serine, which is neutral and polar, at codon 976 of the PALB2 protein (p.Arg976Ser).

GeneDx
Classification: Uncertain significance. Last evaluated: 2022-04-28. Review status: criteria provided, single submitter. Criteria: GeneDx Variant Classification Process June 2021. Collection method: clinical testing. Allele origin: germline. Affected: yes.
Comment: Not observed at significant frequency in large population cohorts (gnomAD); In silico analysis supports that this missense variant has a deleterious effect on protein structure/function; Has not been previously published as pathogenic or benign to our knowledge; This variant is associated with the following publications: (PMID: 24485656, 19609323, 20871615)

NM_024675.4(PALB2):c.2928G>T (p.Arg976Ser)

Gene: PALB2 (partner and localizer of BRCA2; minus strand). Cytogenetic location: 16p12.2.
Variant type: single nucleotide variant.
Coding change: c.2928G>T on transcript NM_024675.4 (MANE Select); coding-DNA position 2928, G replaced by T.
Protein change: p.Arg976Ser; replaces arginine 976 with serine.
Molecular consequence: missense variant.
Genome position (GRCh38, 1-based): chr16:23,623,037, C>A on the plus strand (G>T on the coding strand, the complement: PALB2 is on the minus strand). VCF-style: chr16-23623037-C-A. GRCh37 (hg19) VCF-style: chr16-23634358-C-A.
Other names: short protein forms R976S.
Identifiers: ClinVar variation 460971 (VCV000460971.18), dbSNP rs878855115, ClinGen allele CA395144166.